The following is an entry in ClinVar:

NM_001040108.2(MLH3):c.2344C>T (p.Leu782Phe)

Gene: MLH3 (mutL homolog 3; minus strand). Cytogenetic location: 14q24.3.
Variant type: single nucleotide variant.
Coding change: c.2344C>T on transcript NM_001040108.2 (MANE Select); coding-DNA position 2344, C replaced by T.
Protein change: p.Leu782Phe; replaces leucine 782 with phenylalanine.
Molecular consequence: missense variant.
Genome position (GRCh38, 1-based): chr14:75,047,312, G>A on the plus strand (C>T on the coding strand, the complement: MLH3 is on the minus strand). VCF-style: chr14-75047312-G-A. GRCh37 (hg19) VCF-style: chr14-75514015-G-A.
Other names: c.2344C>T, p.Leu782Phe (NM_014381.3); short protein forms L782F.
Identifiers: ClinVar variation 4860191 (VCV004860191.1).

ClinVar aggregate classification (germline): Uncertain significance (1 of 4 stars; one submission).

Submission:

Ambry Genetics
Classification: Uncertain significance. Last evaluated: 2026-05-01. Review status: criteria provided, single submitter. Criteria: Ambry Variant Classification Scheme 2023. Collection method: clinical testing. Allele origin: germline.
Comment: The p.L782F variant (also known as c.2344C>T), located in coding exon 1 of the MLH3 gene, results from a C to T substitution at nucleotide position 2344. The leucine at codon 782 is replaced by phenylalanine, an amino acid with highly similar properties. This amino acid position is conserved. In addition, this alteration is predicted to be tolerated by in silico analysis. Based on the available evidence, the clinical significance of this variant remains unclear.